The following is an entry in ClinVar:

NM_018082.6(POLR3B):c.1024G>A (p.Val342Ile)

Gene: POLR3B (RNA polymerase III subunit B; plus strand). Cytogenetic location: 12q23.3.
Variant type: single nucleotide variant.
Coding change: c.1024G>A on transcript NM_018082.6 (MANE Select); coding-DNA position 1024, G replaced by A.
Protein change: p.Val342Ile; replaces valine 342 with isoleucine.
Molecular consequence: missense variant.
Genome position (GRCh38, 1-based): chr12:106,410,883, G>A. VCF-style: chr12-106410883-G-A. GRCh37 (hg19) VCF-style: chr12-106804661-G-A.
Other names: c.850G>A, p.Val284Ile (NM_001160708.2); short protein forms V342I, V284I.
Identifiers: ClinVar variation 2889045 (VCV002889045.3), dbSNP rs370376465, ClinGen allele CA243163939.

ClinVar aggregate classification (germline): Uncertain significance (1 of 4 stars; one submission).

Allele frequency attached by ClinVar (database versions not stated): TOPMed 0.00002; gnomAD 0.00003; ESP Exome Variant Server 0.00008.
gnomAD v4.1: 17 of 1,613,672 alleles (0.0011%); highest among the groups gnomAD compares: African/African-American, 0.0067%; no homozygotes.

Submission:

Labcorp Genetics (formerly Invitae), Labcorp
Classification: Uncertain significance. Last evaluated: 2023-12-02. Review status: criteria provided, single submitter. Criteria: Invitae Variant Classification Sherloc (09022015). Collection method: clinical testing. Allele origin: germline.
Comment: This sequence change replaces valine, which is neutral and non-polar, with isoleucine, which is neutral and non-polar, at codon 342 of the POLR3B protein (p.Val342Ile). This variant is present in population databases (rs370376465, gnomAD 0.02%). This variant has not been reported in the literature in individuals affected with POLR3B-related conditions. Advanced modeling of protein sequence and biophysical properties (such as structural, functional, and spatial information, amino acid conservation, physicochemical variation, residue mobility, and thermodynamic stability) performed at Invitae indicates that this missense variant is not expected to disrupt POLR3B protein function with a negative predictive value of 80%. In summary, the available evidence is currently insufficient to determine the role of this variant in disease. Therefore, it has been classified as a Variant of Uncertain Significance.